The following is an entry in ClinVar:

ClinVar aggregate classification (germline): Uncertain significance. Review status: criteria provided, multiple submitters, no conflicts (2 of 4 stars). 2 submissions from 2 submitters: Uncertain significance (2). Last evaluated 2024-04-24.

Conditions:
Tumor predisposition syndrome 3 (TPDS3). Also called: Melanoma, cutaneous malignant, susceptibility to, 10; Glioma susceptibility 9; LONG TELOMERE SYNDROME, POT1-RELATED; POT1 Tumor Predisposition. Identifiers: Orphanet 618, MedGen C4014476, MONDO:0014368, OMIM 615848.
Hereditary cancer-predisposing syndrome. Also called: Hereditary Cancer Syndrome; Hereditary neoplastic syndrome; Neoplastic Syndromes, Hereditary; Tumor predisposition. Identifiers: Orphanet 140162, MedGen C0027672, MeSH D009386, MONDO:0015356.

Allele frequency attached by ClinVar (database versions not stated): gnomAD exomes 0.00001.
gnomAD v4.1: 7 of 1,612,052 alleles (0.00043%); highest among the groups gnomAD compares: Non-Finnish European, 0.00059%; no homozygotes.

Submissions (2):

Labcorp Genetics (formerly Invitae), Labcorp
Classification: Uncertain significance for Tumor predisposition syndrome 3. Last evaluated: 2024-04-24. Review status: criteria provided, single submitter. Criteria: Invitae Variant Classification Sherloc (09022015). Collection method: clinical testing. Allele origin: germline.
Comment: This sequence change replaces serine, which is neutral and polar, with arginine, which is basic and polar, at codon 461 of the POT1 protein (p.Ser461Arg). This variant is not present in population databases (gnomAD no frequency). This variant has not been reported in the literature in individuals affected with POT1-related conditions. ClinVar contains an entry for this variant (Variation ID: 1771345). Advanced modeling of protein sequence and biophysical properties (such as structural, functional, and spatial information, amino acid conservation, physicochemical variation, residue mobility, and thermodynamic stability) performed at Invitae indicates that this missense variant is not expected to disrupt POT1 protein function with a negative predictive value of 80%. In summary, the available evidence is currently insufficient to determine the role of this variant in disease. Therefore, it has been classified as a Variant of Uncertain Significance.

Ambry Genetics
Classification: Uncertain significance for Hereditary cancer-predisposing syndrome. Last evaluated: 2022-04-19. Review status: criteria provided, single submitter. Criteria: Ambry Variant Classification Scheme 2023. Collection method: clinical testing. Allele origin: germline.
Comment: The p.S461R variant (also known as c.1383T>A), located in coding exon 11 of the POT1 gene, results from a T to A substitution at nucleotide position 1383. The serine at codon 461 is replaced by arginine, an amino acid with dissimilar properties. This amino acid position is conserved. In addition, this alteration is predicted to be tolerated by in silico analysis. Since supporting evidence is limited at this time, the clinical significance of this alteration remains unclear.

NM_015450.3(POT1):c.1383T>A (p.Ser461Arg)

Gene: POT1 (protection of telomeres 1; minus strand). Cytogenetic location: 7q31.33.
Variant type: single nucleotide variant.
Coding change: c.1383T>A on transcript NM_015450.3 (MANE Select); coding-DNA position 1383, T replaced by A.
Protein change: p.Ser461Arg; replaces serine 461 with arginine.
Molecular consequence: missense variant. On other transcripts: non-coding transcript variant (3).
Genome position (GRCh38, 1-based): chr7:124,835,401, A>T on the plus strand (T>A on the coding strand, the complement: POT1 is on the minus strand). VCF-style: chr7-124835401-A-T. GRCh37 (hg19) VCF-style: chr7-124475455-A-T.
Other names: c.990T>A, p.Ser330Arg (NM_001042594.2); short protein forms S330R, S461R.
Identifiers: ClinVar variation 1771345 (VCV001771345.8), dbSNP rs2485374899, ClinGen allele CA369066036.
Genomic context (GRCh38, chr7:124,835,401, plus strand): 5'-TTCGTGGCCAGATCTCACAGGAATTACACTATTAAACTTGTTCGAGAGTTTGCAAATTTC[A>T]CTGAGTGTACCTCCTGTTAAGAGAATAAATAAATCCTTCAAGTAGTGCAAATAAAATGTA-3'
Protein context (NP_056265.2, residues 451-471): CLLLIEGGTL[Ser461Arg]EICKLSNKFN